The following is an entry in ClinVar:

ClinVar aggregate classification (germline): Conflicting classifications of pathogenicity. Review status: criteria provided, conflicting classifications (1 of 4 stars). 2 submissions from 2 submitters: Uncertain significance (1); Likely benign (1). Last evaluated 2024-10-30.

Conditions:
Cowden syndrome 6 (CWS6). Identifiers: Orphanet 201, MedGen C3554519, MONDO:0014048, OMIM 615109.

Allele frequency attached by ClinVar (database versions not stated): gnomAD exomes 0.00001 and below 0.00001; TOPMed 0.00001; ExAC 0.00001.

Submissions (2):

Labcorp Genetics (formerly Invitae), Labcorp
Classification: Likely benign for Cowden syndrome 6. Last evaluated: 2024-10-30. Review status: criteria provided, single submitter. Criteria: Invitae Variant Classification Sherloc (09022015). Collection method: clinical testing. Allele origin: germline.

Victorian Clinical Genetics Services, Murdoch Childrens Research Institute
Classification: Uncertain significance for Cowden syndrome 6. Last evaluated: 2019-08-28. Review status: criteria provided, single submitter. Criteria: ACMG Guidelines, 2015. Collection method: clinical testing. Allele origin: germline. Inheritance: Autosomal dominant inheritance. Affected: yes.
Comment: A heterozygous splice site variant was identified, NM_005163.2(AKT1):c.288-4G>T in intron 4 of the AKT1 gene. This substitution may cause aberrant splicing of exon 5 in the AKT1 gene, and affect protein function; further testing via RNA studies is required to confirm if splicing is altered. However, in silico software does not predict the splice site variant to cause aberrant splicing (NetGene2, NNSPLICE, Human Splicing Finder). The nucleotide at this position has low conservation (PhyloP, UCSC). The variant is present in the gnomAD database at a frequency of 0.0004 (1 heterozygote, 0 homozygotes). It has not been previously observed in clinical cases. Based on information available at the time of curation, this variant has been classified as a VARIANT of UNCERTAIN SIGNIFICANCE (VUS) with LOW CLINICAL RELEVANCE.

NM_001382430.1(AKT1):c.288-4G>T

Gene: AKT1 (AKT serine/threonine kinase 1; minus strand). Cytogenetic location: 14q32.33.
Variant type: single nucleotide variant.
Coding change: c.288-4G>T on transcript NM_001382430.1 (MANE Select); 4 bases into the intron before coding-DNA position 288, G replaced by T.
Molecular consequence: intron variant.
Genome position (GRCh38, 1-based): chr14:104,775,803, C>A on the plus strand (G>T on the coding strand, the complement: AKT1 is on the minus strand). VCF-style: chr14-104775803-C-A. GRCh37 (hg19) VCF-style: chr14-105242140-C-A.
Other names: c.288-4G>T (NM_001014431.2, NM_001014432.2, NM_001382433.1 and 3 more transcripts).
Identifiers: ClinVar variation 1140873 (VCV001140873.10), dbSNP rs778501455, ClinGen allele CA7374821.